The following is an entry in ClinVar:

ClinVar aggregate classification (germline): Uncertain significance (1 of 4 stars; one submission).

gnomAD v4.1: 1 of 1,614,064 alleles (0.000062%); highest among the groups gnomAD compares: Admixed American, 0.0017%; no homozygotes.

Submission:

GeneDx
Classification: Uncertain significance. Last evaluated: 2020-01-02. Review status: criteria provided, single submitter. Criteria: GeneDx Variant Classification Process June 2021. Collection method: clinical testing. Allele origin: germline. Affected: yes.
Comment: Not observed at a significant frequency in large population cohorts (Lek et al., 2016); In silico analysis, which includes protein predictors and evolutionary conservation, supports a deleterious effect; Has not been previously published as pathogenic or benign to our knowledge

NM_206933.4(USH2A):c.2753G>T (p.Gly918Val)

Genes: USH2A (usherin; minus strand), LOC122152296 (Sharpr-MPRA regulatory region 8762; plus strand). Cytogenetic location: 1q41.
Variant type: single nucleotide variant.
Coding change: c.2753G>T on transcript NM_206933.4 (MANE Select); coding-DNA position 2753, G replaced by T.
Protein change: p.Gly918Val; replaces glycine 918 with valine.
Molecular consequence: missense variant.
Genome position (GRCh38, 1-based): chr1:216,246,641, C>A on the plus strand (G>T on the coding strand, the complement: USH2A is on the minus strand). VCF-style: chr1-216246641-C-A. GRCh37 (hg19) VCF-style: chr1-216419983-C-A.
Other names: c.2753G>T, p.Gly918Val (NM_007123.6); short protein forms G918V.
Identifiers: ClinVar variation 1311679 (VCV001311679.2), dbSNP rs918775246, ClinGen allele CA344864108.